The following is an entry in ClinVar:

NM_000553.6(WRN):c.3892G>C (p.Gly1298Arg)

Gene: WRN (WRN RecQ like helicase; plus strand). Cytogenetic location: 8p12.
Variant type: single nucleotide variant.
Coding change: c.3892G>C on transcript NM_000553.6 (MANE Select); coding-DNA position 3892, G replaced by C.
Protein change: p.Gly1298Arg; replaces glycine 1298 with arginine.
Molecular consequence: missense variant.
Genome position (GRCh38, 1-based): chr8:31,157,440, G>C. VCF-style: chr8-31157440-G-C. GRCh37 (hg19) VCF-style: chr8-31014956-G-C.
Other names: short protein forms G1298R.
Identifiers: ClinVar variation 2145374 (VCV002145374.4), dbSNP rs2130480756, ClinGen allele CA370929428.

ClinVar aggregate classification (germline): Uncertain significance (1 of 4 stars; one submission).

Conditions:
Werner syndrome (WRN). Identifiers: Orphanet 902, MedGen C0043119, MONDO:0010196, OMIM 277700.

Submission:

Labcorp Genetics (formerly Invitae), Labcorp
Classification: Uncertain significance for Werner syndrome. Last evaluated: 2023-10-05. Review status: criteria provided, single submitter. Criteria: Invitae Variant Classification Sherloc (09022015). Collection method: clinical testing. Allele origin: germline.
Comment: This sequence change replaces glycine, which is neutral and non-polar, with arginine, which is basic and polar, at codon 1298 of the WRN protein (p.Gly1298Arg). This variant is not present in population databases (gnomAD no frequency). This variant has not been reported in the literature in individuals affected with WRN-related conditions. ClinVar contains an entry for this variant (Variation ID: 2145374). An algorithm developed to predict the effect of missense changes on protein structure and function (PolyPhen-2) suggests that this variant is likely to be disruptive. In summary, the available evidence is currently insufficient to determine the role of this variant in disease. Therefore, it has been classified as a Variant of Uncertain Significance.